The following is an entry in ClinVar:

NM_030777.4(SLC2A10):c.1465G>T (p.Gly489Cys)

Gene: SLC2A10 (solute carrier family 2 member 10; plus strand). Cytogenetic location: 20q13.12.
Variant type: single nucleotide variant.
Coding change: c.1465G>T on transcript NM_030777.4 (MANE Select); coding-DNA position 1465, G replaced by T.
Protein change: p.Gly489Cys; replaces glycine 489 with cysteine.
Molecular consequence: missense variant.
Genome position (GRCh38, 1-based): chr20:46,729,406, G>T. VCF-style: chr20-46729406-G-T. GRCh37 (hg19) VCF-style: chr20-45358045-G-T.
Other names: short protein forms G489C.
Identifiers: ClinVar variation 3706465 (VCV003706465.2).
Genomic context (GRCh38, chr20:46,729,406, plus strand): 5'-TTTCCAGGCACCATCGGCTTGTCCTGGACCTTCCTGCTCTACGGACTGACCGCTGTCCTC[G>T]GCCTGGGCTTCATCTATTTATTTGTTCCTGAAACAAAAGGCCAGTCGTTGGCAGAGATAG-3'
Protein context (NP_110404.1, residues 479-499): FLLYGLTAVL[Gly489Cys]LGFIYLFVPE

ClinVar aggregate classification (germline): Uncertain significance (1 of 4 stars; one submission).

Conditions:
Arterial tortuosity syndrome (ATORS). Identifiers: Orphanet 3342, MedGen C1859726, MONDO:0008818, OMIM 208050.

gnomAD v4.1: 18 of 1,613,838 alleles (0.0011%); highest among the groups gnomAD compares: Non-Finnish European, 0.0015%; no homozygotes.

Submission:

Labcorp Genetics (formerly Invitae), Labcorp
Classification: Uncertain significance for Arterial tortuosity syndrome. Last evaluated: 2024-11-19. Review status: criteria provided, single submitter. Criteria: Invitae Variant Classification Sherloc (09022015). Collection method: clinical testing. Allele origin: germline.
Comment: This sequence change replaces glycine, which is neutral and non-polar, with cysteine, which is neutral and slightly polar, at codon 489 of the SLC2A10 protein (p.Gly489Cys). This variant is not present in population databases (gnomAD no frequency). This variant has not been reported in the literature in individuals affected with SLC2A10-related conditions. Invitae Evidence Modeling of protein sequence and biophysical properties (such as structural, functional, and spatial information, amino acid conservation, physicochemical variation, residue mobility, and thermodynamic stability) has been performed for this missense variant. However, the output from this modeling did not meet the statistical confidence thresholds required to predict the impact of this variant on SLC2A10 protein function. This variant disrupts the p.Gly489 amino acid residue in SLC2A10. Other variant(s) that disrupt this residue have been determined to be pathogenic (PMID: 29323665). This suggests that this residue is clinically significant, and that variants that disrupt this residue are likely to be disease-causing. In summary, the available evidence is currently insufficient to determine the role of this variant in disease. Therefore, it has been classified as a Variant of Uncertain Significance.

Literature cited by the submitters: PubMed 29323665.